The following is an entry in ClinVar:

NM_024675.4(PALB2):c.3443C>T (p.Thr1148Ile)

Gene: PALB2 (partner and localizer of BRCA2; minus strand). Cytogenetic location: 16p12.2.
Variant type: single nucleotide variant.
Coding change: c.3443C>T on transcript NM_024675.4 (MANE Select); coding-DNA position 3443, C replaced by T.
Protein change: p.Thr1148Ile; replaces threonine 1148 with isoleucine.
Molecular consequence: missense variant.
Genome position (GRCh38, 1-based): chr16:23,603,577, G>A on the plus strand (C>T on the coding strand, the complement: PALB2 is on the minus strand). VCF-style: chr16-23603577-G-A. GRCh37 (hg19) VCF-style: chr16-23614898-G-A.
Other names: short protein forms T1148I.
Identifiers: ClinVar variation 1378609 (VCV001378609.11), dbSNP rs2142253712, ClinGen allele CA395138123.

ClinVar aggregate classification (germline): Uncertain significance. Review status: criteria provided, multiple submitters, no conflicts (2 of 4 stars). 3 submissions from 3 submitters: Uncertain significance (3). Last evaluated 2024-07-18.

Conditions:
Hereditary cancer-predisposing syndrome. Also called: Neoplastic Syndromes, Hereditary; Hereditary Cancer Syndrome; Tumor predisposition; Hereditary neoplastic syndrome. Identifiers: Orphanet 140162, MedGen C0027672, MeSH D009386, MONDO:0015356.
Familial cancer of breast. Also called: Hereditary breast cancer; BREAST CANCER, FAMILIAL; hereditary breast carcinoma. Identifiers: Orphanet 227535, MedGen C0346153, MONDO:0016419, OMIM 114480. Disease mechanism: loss of function.

Submissions (3):

Ambry Genetics
Classification: Uncertain significance for Hereditary cancer-predisposing syndrome. Last evaluated: 2024-07-18. Review status: criteria provided, single submitter. Criteria: Ambry Variant Classification Scheme 2023. Collection method: clinical testing. Allele origin: germline.
Comment: The p.T1148I variant (also known as c.3443C>T), located in coding exon 13 of the PALB2 gene, results from a C to T substitution at nucleotide position 3443. The threonine at codon 1148 is replaced by isoleucine, an amino acid with similar properties. This amino acid position is conserved. In addition, this alteration is predicted to be tolerated by in silico analysis. Since supporting evidence is limited at this time, the clinical significance of this alteration remains unclear.

GeneDx
Classification: Uncertain significance. Last evaluated: 2024-05-24. Review status: criteria provided, single submitter. Criteria: GeneDx Variant Classification Process June 2021. Collection method: clinical testing. Allele origin: germline. Affected: yes.
Comment: Not observed at significant frequency in large population cohorts (gnomAD); In silico analysis supports that this missense variant has a deleterious effect on protein structure/function; Has not been previously published as pathogenic or benign to our knowledge; This variant is associated with the following publications: (PMID: 24485656, 19609323, 20871615)

Labcorp Genetics (formerly Invitae), Labcorp
Classification: Uncertain significance for Familial cancer of breast. Last evaluated: 2022-08-06. Review status: criteria provided, single submitter. Criteria: Invitae Variant Classification Sherloc (09022015). Collection method: clinical testing. Allele origin: germline.
Comment: Algorithms developed to predict the effect of missense changes on protein structure and function are either unavailable or do not agree on the potential impact of this missense change (SIFT: "Deleterious"; PolyPhen-2: "Possibly Damaging"; Align-GVGD: "Class C0"). In summary, the available evidence is currently insufficient to determine the role of this variant in disease. Therefore, it has been classified as a Variant of Uncertain Significance. This sequence change replaces threonine, which is neutral and polar, with isoleucine, which is neutral and non-polar, at codon 1148 of the PALB2 protein (p.Thr1148Ile). This variant is not present in population databases (gnomAD no frequency). This variant has not been reported in the literature in individuals affected with PALB2-related conditions. ClinVar contains an entry for this variant (Variation ID: 1378609).